The following is an entry in ClinVar:

NM_005359.6(SMAD4):c.807T>C (p.Thr269=)

Gene: SMAD4 (SMAD family member 4; plus strand). Cytogenetic location: 18q21.2.
Variant type: single nucleotide variant.
Coding change: c.807T>C on transcript NM_005359.6 (MANE Select); coding-DNA position 807, T replaced by C.
Protein change: p.Thr269=; no amino-acid change (threonine 269 retained).
Molecular consequence: synonymous variant. On other transcripts: non-coding transcript variant (2).
Genome position (GRCh38, 1-based): chr18:51,058,359, T>C. VCF-style: chr18-51058359-T-C. GRCh37 (hg19) VCF-style: chr18-48584729-T-C.
Other names: c.807T>C, p.Thr269= (NM_001407041.1, NM_001407042.1, NM_001407043.1).
Identifiers: ClinVar variation 3903667 (VCV003903667.1).

ClinVar aggregate classification (germline): Benign (1 of 4 stars; one submission).

Conditions:
Juvenile polyposis/hereditary hemorrhagic telangiectasia syndrome (JPHT). Also called: JP/HHT SYNDROME; JUVENILE POLYPOSIS WITH HEREDITARY HEMORRHAGIC TELANGIECTASIA; POLYPOSIS, GENERALIZED JUVENILE, WITH PULMONARY ARTERIOVENOUS MALFORMATION; TELANGIECTASIA, HEREDITARY HEMORRHAGIC, WITH JUVENILE POLYPOSIS COLI; Juvenile Polyposis Syndrome / Hereditary Hemorrhagic Telangiectasia (JPS/HHT). Identifiers: Orphanet 2929, MedGen C1832942, MONDO:0008278, OMIM 175050.

Submission:

Myriad Genetics, Inc.
Classification: Benign for Juvenile polyposis/hereditary hemorrhagic telangiectasia syndrome. Last evaluated: 2025-03-20. Review status: criteria provided, single submitter. Criteria: Myriad Autosomal Dominant, Autosomal Recessive and X-Linked Classification Criteria (2023). Collection method: clinical testing. Allele origin: unknown.
Comment: This variant is considered benign. This variant is a silent/synonymous amino acid change and it is not expected to impact splicing.